The following is an entry in ClinVar:

ClinVar aggregate classification (germline): Uncertain significance (1 of 4 stars; one submission).

Conditions:
RYR1-related disorder. Also called: RYR1-related condition; RYR1-related disorders. Identifiers: MedGen CN239331.

gnomAD v4.1: 3 of 1,614,138 alleles (0.00019%); highest among the groups gnomAD compares: Non-Finnish European, 0.00025%; no homozygotes.

Submission:

Labcorp Genetics (formerly Invitae), Labcorp
Classification: Uncertain significance for RYR1-related disorder. Last evaluated: 2025-03-28. Review status: criteria provided, single submitter. Criteria: Invitae Variant Classification Sherloc (09022015). Collection method: clinical testing. Allele origin: germline.
Comment: This sequence change replaces isoleucine, which is neutral and non-polar, with methionine, which is neutral and non-polar, at codon 2162 of the RYR1 protein (p.Ile2162Met). This variant is present in population databases (no rsID available, gnomAD no frequency). This missense change has been observed in individual(s) with autosomal dominant malignant hyperthermia susceptibility (PMID: 36283893). Invitae Evidence Modeling of protein sequence and biophysical properties (such as structural, functional, and spatial information, amino acid conservation, physicochemical variation, residue mobility, and thermodynamic stability) has been performed for this missense variant. However, the output from this modeling did not meet the statistical confidence thresholds required to predict the impact of this variant on RYR1 protein function. In summary, the available evidence is currently insufficient to determine the role of this variant in disease. Therefore, it has been classified as a Variant of Uncertain Significance.

Literature cited by the submitters: PubMed 36283893.

NM_000540.3(RYR1):c.6486C>G (p.Ile2162Met)

Gene: RYR1 (ryanodine receptor 1; plus strand). Cytogenetic location: 19q13.2.
Variant type: single nucleotide variant.
Coding change: c.6486C>G on transcript NM_000540.3 (MANE Select); coding-DNA position 6486, C replaced by G.
Protein change: p.Ile2162Met; replaces isoleucine 2162 with methionine.
Molecular consequence: missense variant.
Genome position (GRCh38, 1-based): chr19:38,494,563, C>G. VCF-style: chr19-38494563-C-G. GRCh37 (hg19) VCF-style: chr19-38985203-C-G.
Other names: c.6486C>G, p.Ile2162Met (NM_001042723.2); short protein forms I2162M.
Identifiers: ClinVar variation 4760602 (VCV004760602.1).